The following is an entry in ClinVar:

NM_001370259.2(MEN1):c.1356G>T (p.Arg452=)

Gene: MEN1 (menin 1; minus strand). Cytogenetic location: 11q13.1.
Variant type: single nucleotide variant.
Coding change: c.1356G>T on transcript NM_001370259.2 (MANE Select); coding-DNA position 1356, G replaced by T.
Protein change: p.Arg452=; no amino-acid change (arginine 452 retained).
Molecular consequence: synonymous variant.
Genome position (GRCh38, 1-based): chr11:64,804,811, C>A on the plus strand (G>T on the coding strand, the complement: MEN1 is on the minus strand). VCF-style: chr11-64804811-C-A. GRCh37 (hg19) VCF-style: chr11-64572283-C-A.
Other names: c.1356G>T, p.Arg452= (NM_001370260.2, NM_001370261.2, NM_130799.3); c.1251G>T, p.Arg417= (NM_001370262.2, NM_001370263.2); c.1371G>T, p.Arg457= (NM_130800.3, NM_130801.3, NM_130802.3 and 3 more transcripts); c.1482G>T, p.Arg494= (NM_001370251.2).
Identifiers: ClinVar variation 704740 (VCV000704740.14), dbSNP rs1180957953, ClinGen allele CA475163720.
Genomic context (GRCh38, chr11:64,804,811, plus strand): 5'-GCCCCACGGCTCCTCGGCCTCGGCCGCCTCGGCCTCTCGGCTCACTATGCGCACCTTCTG[C>A]CGCACCTGGGCCAGTGGGGAGAGCAAGGTGAGAGCAAGGTTGCCGGCCAGTGGCTGGAAC-3'
Protein context (NP_001357188.2, residues 442-462): QSLGRFEGQV[Arg452=]QKVRIVSREA

ClinVar aggregate classification (germline): Benign/Likely benign. Review status: criteria provided, multiple submitters, no conflicts (2 of 4 stars). 4 submissions from 4 submitters: Benign (1); Likely benign (3). Last evaluated 2025-11-10.

Conditions:
Hereditary cancer-predisposing syndrome. Also called: Tumor predisposition; Hereditary neoplastic syndrome; Neoplastic Syndromes, Hereditary; Hereditary Cancer Syndrome. Identifiers: Orphanet 140162, MedGen C0027672, MeSH D009386, MONDO:0015356.
Multiple endocrine neoplasia, type 1 (MEN1). Also called: MEN I; WERMER SYNDROME; MEA I; Endocrine adenomatosis multiple; MEN 1. Identifiers: Orphanet 652, MedGen C0025267, MeSH D018761, MONDO:0007540, OMIM 131100.

Allele frequency attached by ClinVar (database versions not stated): gnomAD 0.00002; gnomAD exomes 0.00002; TOPMed 0.00002.

Submissions (4):

Color Diagnostics, LLC DBA Color Health
Classification: Likely benign for Multiple endocrine neoplasia, type 1. Last evaluated: 2025-11-10. Review status: criteria provided, single submitter. Criteria: ACMG Guidelines, 2015. Collection method: clinical testing. Allele origin: germline.

Labcorp Genetics (formerly Invitae), Labcorp
Classification: Likely benign for Multiple endocrine neoplasia, type 1. Last evaluated: 2025-10-27. Review status: criteria provided, single submitter. Criteria: Invitae Variant Classification Sherloc (09022015). Collection method: clinical testing. Allele origin: germline.

Myriad Genetics, Inc.
Classification: Benign for Multiple endocrine neoplasia, type 1. Last evaluated: 2024-11-05. Review status: criteria provided, single submitter. Criteria: Myriad Autosomal Dominant, Autosomal Recessive and X-Linked Classification Criteria (2023). Collection method: clinical testing. Allele origin: unknown.
Comment: This variant is considered benign. This variant is a silent/synonymous amino acid change and it is not expected to impact splicing.

Ambry Genetics
Classification: Likely benign for Hereditary cancer-predisposing syndrome. Last evaluated: 2021-02-02. Review status: criteria provided, single submitter. Criteria: Ambry Variant Classification Scheme 2023. Collection method: clinical testing. Allele origin: germline.